The following is an entry in ClinVar:

ClinVar aggregate classification (germline): Uncertain significance (1 of 4 stars; one submission).

Conditions:
Developmental and epileptic encephalopathy, 1 (DEE1). Also called: X-linked infantile spasms; West's syndrome; Tonic spasms with clustering, arrest of psychomotor development and hypsarrhythmia on EEG; X-Linked Infantile Spasm Syndrome; INFANTILE SPASM SYNDROME, X-LINKED 1; Epileptic encephalopathy, early infantile, 1. Identifiers: MedGen C3463992, MONDO:0010632, OMIM 308350. Disease mechanism: loss of function.
Autosomal recessive spinocerebellar ataxia 12. Also called: SPINOCEREBELLAR ATAXIA WITH MENTAL RETARDATION AND EPILEPSY. Identifiers: Orphanet 284282, MedGen C3280452, MONDO:0013687, OMIM 614322.

Allele frequency attached by ClinVar (database versions not stated): TOPMed below 0.00001.

Submission:

Labcorp Genetics (formerly Invitae), Labcorp
Classification: Uncertain significance for Developmental and epileptic encephalopathy, 1; Autosomal recessive spinocerebellar ataxia 12. Last evaluated: 2022-03-23. Review status: criteria provided, single submitter. Criteria: Invitae Variant Classification Sherloc (09022015). Collection method: clinical testing. Allele origin: germline.
Comment: In summary, the available evidence is currently insufficient to determine the role of this variant in disease. Therefore, it has been classified as a Variant of Uncertain Significance. Algorithms developed to predict the effect of missense changes on protein structure and function are either unavailable or do not agree on the potential impact of this missense change (SIFT: "Not Available"; PolyPhen-2: "Probably Damaging"; Align-GVGD: "Not Available"). ClinVar contains an entry for this variant (Variation ID: 655246). This variant has not been reported in the literature in individuals affected with WWOX-related conditions. This variant is not present in population databases (gnomAD no frequency). This sequence change replaces glycine, which is neutral and non-polar, with valine, which is neutral and non-polar, at codon 373 of the WWOX protein (p.Gly373Val).

NM_016373.4(WWOX):c.1118G>T (p.Gly373Val)

Genes: MAF (MAF bZIP transcription factor; minus strand), WWOX (WW domain containing oxidoreductase; plus strand). Cytogenetic location: 16q23.2.
Variant type: single nucleotide variant.
Coding change: c.1118G>T on transcript NM_016373.4 (MANE Select); coding-DNA position 1118, G replaced by T.
Protein change: p.Gly373Val; replaces glycine 373 with valine.
Molecular consequence: missense variant.
Genome position (GRCh38, 1-based): chr16:79,211,669, G>T. VCF-style: chr16-79211669-G-T. GRCh37 (hg19) VCF-style: chr16-79245566-G-T.
Other names: c.779G>T, p.Gly260Val (NM_001291997.2); short protein forms G260V, G373V.
Identifiers: ClinVar variation 655246 (VCV000655246.9), dbSNP rs769877812, ClinGen allele CA396537079.